The following is an entry in ClinVar:

NM_023110.3(FGFR1):c.2292G>C (p.Gln764His)

Gene: FGFR1 (fibroblast growth factor receptor 1; minus strand). Cytogenetic location: 8p11.23.
Variant type: single nucleotide variant.
Coding change: c.2292G>C on transcript NM_023110.3 (MANE Select); coding-DNA position 2292, G replaced by C.
Protein change: p.Gln764His; replaces glutamine 764 with histidine.
Molecular consequence: missense variant.
Genome position (GRCh38, 1-based): chr8:38,413,918, C>G on the plus strand (G>C on the coding strand, the complement: FGFR1 is on the minus strand). VCF-style: chr8-38413918-C-G. GRCh37 (hg19) VCF-style: chr8-38271436-C-G.
Other names: NM_001354370.2:c.2019G>C; c.2286G>C, p.Gln762His (NM_001174063.2, NM_001174065.2, NM_001354367.2 and 1 more transcripts); c.2262G>C, p.Gln754His (NM_001174064.2); c.2025G>C, p.Gln675His (NM_001174066.2, NM_023105.3); c.2385G>C, p.Gln795His (NM_001174067.2); c.2013G>C, p.Gln671His (NM_001354368.2); c.2280G>C, p.Gln760His (NM_001354369.2, NM_001410922.1); c.2019G>C, p.Gln673His (NM_001354370.2, NM_023106.3); short protein forms Q795H, Q671H, Q673H, Q754H, Q762H, Q675H, Q760H, Q764H.
Identifiers: ClinVar variation 3595586 (VCV003595586.5).
Genomic context (GRCh38, chr8:38,413,918, plus strand): 5'-GGAGGTGCGTGCACGCAGTGGGGACGGCCTGAGCTCTGGCTCTGGCACGGGCAGCCTTAC[C>G]TGGTTGGAGGTCAAGGCCACGATGCGGTCCAGGTCTTCCACCAGCTGCTTGAAGGTGGGT-3'
Protein context (NP_075598.2, residues 754-774): LDRIVALTSN[Gln764His]EYLDLSMPLD

ClinVar aggregate classification (germline): Uncertain significance. Review status: criteria provided, multiple submitters, no conflicts (2 of 4 stars). 4 submissions from 4 submitters: Uncertain significance (4). Last evaluated 2026-08-26.

Conditions:
Hartsfield-Bixler-Demyer syndrome (HRTFDS). Also called: Holoprosencephaly, ectrodactyly, and bilateral cleft lip/palate; FGFR1-Related Hartsfield Syndrome; Hartsfield syndrome. Identifiers: Orphanet 2117, MedGen C1845146, MONDO:0014196, OMIM 615465. Disease mechanism: loss of function.
Hypogonadotropic hypogonadism 2 with or without anosmia (HH2). Also called: FGFR1-Related GnRH Deficiency (Kallmann Syndrome 2); HYPOGONADOTROPIC HYPOGONADISM 2 WITHOUT ANOSMIA; HYPOGONADOTROPIC HYPOGONADISM 2 WITH OR WITHOUT ANOSMIA, SUSCEPTIBILITY TO; HYPOGONADOTROPIC HYPOGONADISM 2 WITHOUT ANOSMIA, SUSCEPTIBILITY TO. Identifiers: Orphanet 478, MedGen C1563720, MONDO:0007844, OMIM 147950. Disease mechanism: loss of function.
Trigonocephaly 1 (TRIGNO1). Identifiers: Orphanet 3366, MedGen C0432122, MONDO:0008603, OMIM 190440.
Pfeiffer syndrome (ACS5). Also called: ACS V. Identifiers: Orphanet 710, MedGen C0220658, MONDO:0007043, OMIM 101600.
Osteoglophonic dysplasia (OGD). Also called: Osteoglophonic dwarfism. Identifiers: Orphanet 2645, MedGen C0432283, MONDO:0008150, OMIM 166250.
Encephalocraniocutaneous lipomatosis (ECCL). Identifiers: Orphanet 2396, MedGen C0406612, MONDO:0013074, OMIM 613001.
Jackson-Weiss syndrome (JWS). Also called: CRANIOSYNOSTOSIS, MIDFACIAL HYPOPLASIA, AND FOOT ABNORMALITIES. Identifiers: Orphanet 1540, MedGen C0795998, MONDO:0007400, OMIM 123150. Disease mechanism: loss of function.

gnomAD v4.1: 6 of 1,613,948 alleles (0.00037%); highest among the groups gnomAD compares: Non-Finnish European, 0.00042%; no homozygotes.

Submissions (4):

Broad Center for Mendelian Genomics, Broad Institute of MIT and Harvard
Classification: Uncertain significance for Hartsfield-Bixler-Demyer syndrome. Last evaluated: 2026-08-26. Review status: criteria provided, single submitter. Criteria: ACMG Guidelines, 2015. Collection method: research. Allele origin: germline. Inheritance: Autosomal dominant inheritance. Study: GREGoR Consortium.
Comment: The p.Gln764His variant in FGFR1 has not been previously reported in the literature in individuals with Hartsfield syndrome, but has been identified in 0.002% (1/62502) of Remaining chromosomes by the Genome Aggregation Database (gnomAD; dbSNP rs121909643). Although this variant has been seen in the general population in a heterozygous state, its frequency is not high enough to rule out a pathogenic role. This variant has (also) been reported in ClinVar (Variation ID: 3595586) and has been interpreted as a variant of uncertain significance by Fulgent Genetics, GeneDx, and Labcorp Genetics (formerly Invitae). Computational prediction tools and conservation analyses do not provide strong support for or against an impact to the protein. The number of missense variants reported in FGFR1 in the general population is lower than expected, suggesting there is little benign variation in this gene and slightly increasing the possibility that a missense variant in this gene may not be tolerated. In summary, the clinical significance of the p.Gln764His variant is uncertain. ACMG/AMP Criteria applied: PP2 (Richards 2015).

Labcorp Genetics (formerly Invitae), Labcorp
Classification: Uncertain significance for Pfeiffer syndrome; Hypogonadotropic hypogonadism 2 with or without anosmia. Last evaluated: 2024-09-27. Review status: criteria provided, single submitter. Criteria: Invitae Variant Classification Sherloc (09022015). Collection method: clinical testing. Allele origin: germline.
Comment: This sequence change replaces glutamine, which is neutral and polar, with histidine, which is basic and polar, at codon 764 of the FGFR1 protein (p.Gln764His). This variant also falls at the last nucleotide of exon 17, which is part of the consensus splice site for this exon. This variant is not present in population databases (gnomAD no frequency). This missense change has been observed in individual(s) with idiopathic hypogonadotropic hypogonadism (PMID: 18596921). An algorithm developed to predict the effect of missense changes on protein structure and function (PolyPhen-2) suggests that this variant is likely to be disruptive. Variants that disrupt the consensus splice site are a relatively common cause of aberrant splicing (PMID: 17576681, 9536098). In summary, the available evidence is currently insufficient to determine the role of this variant in disease. Therefore, it has been classified as a Variant of Uncertain Significance.

GeneDx
Classification: Uncertain significance. Last evaluated: 2024-08-06. Review status: criteria provided, single submitter. Criteria: GeneDx Variant Classification Process June 2021. Collection method: clinical testing. Allele origin: germline. Affected: yes.
Comment: Not observed at significant frequency in large population cohorts (gnomAD); In silico analysis indicates that this missense variant does not alter protein structure/function; Reported in a patient with Kallmann syndrome. This patient had another FGFR1 variant in unknown phase and was homozygous for an FGF8 variant (PMID: 20696889); This variant is associated with the following publications: (PMID: 27896051, 18596921, 19621416, 19060208, 34062169, 23329143, 20696889)

Fulgent Genetics
Classification: Uncertain significance for Pfeiffer syndrome; Jackson-Weiss syndrome; Hypogonadotropic hypogonadism 2 with or without anosmia; Osteoglophonic dysplasia; Trigonocephaly 1; Encephalocraniocutaneous lipomatosis; Hartsfield-Bixler-Demyer syndrome. Last evaluated: 2024-03-05. Review status: criteria provided, single submitter. Criteria: ACMG Guidelines, 2015. Collection method: clinical testing. Allele origin: germline.

Literature cited by the submitters: PubMed 18596921 (cited by Labcorp Genetics (formerly Invitae), Labcorp); PubMed 17576681 (cited by Labcorp Genetics (formerly Invitae), Labcorp); PubMed 9536098 (cited by Labcorp Genetics (formerly Invitae), Labcorp).